The following is an entry in ClinVar:

NM_000143.4(FH):c.554A>C (p.Gln185Pro)

Gene: FH (fumarate hydratase; minus strand). Cytogenetic location: 1q43.
Variant type: single nucleotide variant.
Coding change: c.554A>C on transcript NM_000143.4 (MANE Select); coding-DNA position 554, A replaced by C.
Protein change: p.Gln185Pro; replaces glutamine 185 with proline.
Molecular consequence: missense variant.
Genome position (GRCh38, 1-based): chr1:241,511,968, T>G on the plus strand (A>C on the coding strand, the complement: FH is on the minus strand). VCF-style: chr1-241511968-T-G. GRCh37 (hg19) VCF-style: chr1-241675268-T-G.
Other names: short protein forms Q185P.
Identifiers: ClinVar variation 574229 (VCV000574229.9), dbSNP rs779707997, ClinGen allele CA345439820.

ClinVar aggregate classification (germline): Likely pathogenic (1 of 4 stars; one submission).

Submission:

Labcorp Genetics (formerly Invitae), Labcorp
Classification: Likely pathogenic. Last evaluated: 2023-10-03. Review status: criteria provided, single submitter. Criteria: Invitae Variant Classification Sherloc (09022015). Collection method: clinical testing. Allele origin: germline.
Comment: This sequence change replaces glutamine, which is neutral and polar, with proline, which is neutral and non-polar, at codon 185 of the FH protein (p.Gln185Pro). This variant is not present in population databases (gnomAD no frequency). This missense change has been observed in individual(s) with multiple cutaneous leiomyomas (Invitae). ClinVar contains an entry for this variant (Variation ID: 574229). An algorithm developed to predict the effect of missense changes on protein structure and function (PolyPhen-2) suggests that this variant is likely to be disruptive. This variant disrupts the p.Gln185 amino acid residue in FH. Other variant(s) that disrupt this residue have been determined to be pathogenic (PMID: 11865300, 21445611, 28300276; Invitae). This suggests that this residue is clinically significant, and that variants that disrupt this residue are likely to be disease-causing. In summary, the currently available evidence indicates that the variant is pathogenic, but additional data are needed to prove that conclusively. Therefore, this variant has been classified as Likely Pathogenic.

Literature cited by the submitters: PubMed 11865300; PubMed 21445611; PubMed 28300276.